The following is an entry in ClinVar:

ClinVar aggregate classification (germline): Likely benign (1 of 4 stars; one submission).

Conditions:
COG6-related disorder.

Submission:

PreventionGenetics, part of Exact Sciences
Classification: Likely benign for COG6-related condition. Last evaluated: 2026-08-02. Review status: criteria provided, single submitter. Criteria: ACMG Guidelines, 2015. Collection method: clinical testing. Allele origin: germline.
Comment: This variant is classified as likely benign based on ACMG/AMP sequence variant interpretation guidelines (Richards et al. 2015 PMID: 25741868, with internal and published modifications).

NM_020751.3(COG6):c.723A>C (p.Ser241=)

Gene: COG6 (component of oligomeric golgi complex 6; plus strand). Cytogenetic location: 13q14.11.
Variant type: single nucleotide variant.
Coding change: c.723A>C on transcript NM_020751.3 (MANE Select); coding-DNA position 723, A replaced by C.
Protein change: p.Ser241=; no amino-acid change (serine 241 retained).
Molecular consequence: synonymous variant. On other transcripts: non-coding transcript variant (1).
Genome position (GRCh38, 1-based): chr13:39,682,199, A>C. VCF-style: chr13-39682199-A-C. GRCh37 (hg19) VCF-style: chr13-40256336-A-C.
Other names: c.723A>C, p.Ser241= (NM_001145079.2).
Identifiers: ClinVar variation 4994669 (VCV004994669.1).
Genomic context (GRCh38, chr13:39,682,199, plus strand): 5'-TAACAAAAGTTATAATGTTAATTATTTTTCAGGTGAATGCAGAACATTGACACAAGAATC[A>C]TGTGACGTATCTCCAGTATTGACACAGGCAATGGAAGCCCTGCAGGACAGACCTGTCTTA-3'
Protein context (NP_065802.1, residues 231-251): QSECRTLTQE[Ser241=]CDVSPVLTQA